The following is an entry in ClinVar:

ClinVar aggregate classification (germline): Uncertain significance (1 of 4 stars; one submission).

Conditions:
Hereditary cancer-predisposing syndrome. Also called: Neoplastic Syndromes, Hereditary; Tumor predisposition; Hereditary neoplastic syndrome; Hereditary Cancer Syndrome. Identifiers: Orphanet 140162, MedGen C0027672, MeSH D009386, MONDO:0015356.

Submission:

Ambry Genetics
Classification: Uncertain significance for Hereditary cancer-predisposing syndrome. Last evaluated: 2026-07-13. Review status: criteria provided, single submitter. Criteria: Ambry Variant Classification Scheme 2023. Collection method: clinical testing. Allele origin: germline.
Comment: The p.K662Q variant (also known as c.1984A>C), located in coding exon 5 of the PALB2 gene, results from an A to C substitution at nucleotide position 1984. The lysine at codon 662 is replaced by glutamine, an amino acid with similar properties. This amino acid position is conserved. In addition, this alteration is predicted to be tolerated by in silico analysis. Based on the available evidence, the clinical significance of this variant remains unclear.

NM_024675.4(PALB2):c.1984A>C (p.Lys662Gln)

Gene: PALB2 (partner and localizer of BRCA2; minus strand). Cytogenetic location: 16p12.2.
Variant type: single nucleotide variant.
Coding change: c.1984A>C on transcript NM_024675.4 (MANE Select); coding-DNA position 1984, A replaced by C.
Protein change: p.Lys662Gln; replaces lysine 662 with glutamine.
Molecular consequence: missense variant. On other transcripts: intron variant (1).
Genome position (GRCh38, 1-based): chr16:23,630,170, T>G on the plus strand (A>C on the coding strand, the complement: PALB2 is on the minus strand). VCF-style: chr16-23630170-T-G. GRCh37 (hg19) VCF-style: chr16-23641491-T-G.
Other names: c.1924A>C, p.Lys642Gln (NM_001407296.1); c.1984A>C, p.Lys662Gln (NM_001407297.1, NM_001407298.1, NM_001407299.1 and 3 more transcripts); c.1099A>C, p.Lys367Gln (NM_001407311.1, NM_001407304.1, NM_001407305.1 and 5 more transcripts); c.196A>C, p.Lys66Gln (NM_001407312.1, NM_001407313.1); c.49-895A>C (NM_001407314.1); short protein forms K642Q, K367Q, K662Q, K66Q.
Identifiers: ClinVar variation 5026174 (VCV005026174.1).